The following is an entry in ClinVar:

NM_152564.5(VPS13B):c.8304C>T (p.Asp2768=)

Gene: VPS13B (vacuolar protein sorting 13 homolog B; plus strand). Cytogenetic location: 8q22.2.
Variant type: single nucleotide variant.
Coding change: c.8304C>T on transcript NM_152564.5 (MANE Select); coding-DNA position 8304, C replaced by T.
Protein change: p.Asp2768=; no amino-acid change (aspartic acid 2768 retained).
Molecular consequence: synonymous variant.
Genome position (GRCh38, 1-based): chr8:99,817,746, C>T. VCF-style: chr8-99817746-C-T. GRCh37 (hg19) VCF-style: chr8-100829974-C-T.
Other names: c.8379C>T, p.Asp2793= (NM_017890.5); c.8304C>T (NM_152564.4).
Identifiers: ClinVar variation 1127649 (VCV001127649.10), dbSNP rs1464962948, ClinGen allele CA462457711.

ClinVar aggregate classification (germline): Likely benign. Review status: criteria provided, multiple submitters, no conflicts (2 of 4 stars). 2 submissions from 2 submitters: Likely benign (2). Last evaluated 2026-01-13.

Conditions:
Cohen syndrome (COH1). Also called: Cutis verticis gyrata, retinitis pigmentosa, and sensorineural deafness; PEPPER SYNDROME. Identifiers: Orphanet 193, MedGen C0265223, MONDO:0008999, OMIM 216550.
VPS13B-related disorder. Also called: VPS13B-related condition.

Allele frequency attached by ClinVar (database versions not stated): gnomAD exomes below 0.00001 and 0.00001.
gnomAD v4.1: 2 of 1,614,060 alleles (0.00012%); highest among the groups gnomAD compares: East Asian, 0.0022%; no homozygotes.

Submissions (2):

PreventionGenetics, part of Exact Sciences
Classification: Likely benign for VPS13B-related condition. Last evaluated: 2026-01-13. Review status: criteria provided, single submitter. Criteria: ACMG Guidelines, 2015. Collection method: clinical testing. Allele origin: germline.
Comment: This variant is classified as likely benign based on ACMG/AMP sequence variant interpretation guidelines (Richards et al. 2015 PMID: 25741868, with internal and published modifications).

Labcorp Genetics (formerly Invitae), Labcorp
Classification: Likely benign for Cohen syndrome. Last evaluated: 2023-07-22. Review status: criteria provided, single submitter. Criteria: Invitae Variant Classification Sherloc (09022015). Collection method: clinical testing. Allele origin: germline.